The following is an entry in ClinVar:

ClinVar aggregate classification (germline): Uncertain significance (1 of 4 stars; one submission).

Conditions:
Colorectal cancer, hereditary nonpolyposis, type 7. Identifiers: Orphanet 144, MedGen C1858380, MONDO:0013725, OMIM 614385.

Allele frequency attached by ClinVar (database versions not stated): gnomAD 0.00001; gnomAD exomes 0.00001; TOPMed 0.00001; ExAC 0.00004; ESP Exome Variant Server 0.00008.
gnomAD v4.1: 15 of 1,614,008 alleles (0.00093%); highest among the groups gnomAD compares: Middle Eastern, 0.016%; no homozygotes.

Submission:

Labcorp Genetics (formerly Invitae), Labcorp
Classification: Uncertain significance for Colorectal cancer, hereditary nonpolyposis, type 7. Last evaluated: 2024-01-08. Review status: criteria provided, single submitter. Criteria: Invitae Variant Classification Sherloc (09022015). Collection method: clinical testing. Allele origin: germline.
Comment: This sequence change replaces glutamic acid, which is acidic and polar, with lysine, which is basic and polar, at codon 1092 of the MLH3 protein (p.Glu1092Lys). This variant is present in population databases (rs374277639, gnomAD 0.02%). This variant has not been reported in the literature in individuals affected with MLH3-related conditions. Algorithms developed to predict the effect of missense changes on protein structure and function output the following: SIFT: "Not Available"; PolyPhen-2: "Benign"; Align-GVGD: "Not Available". The lysine amino acid residue is found in multiple mammalian species, which suggests that this missense change does not adversely affect protein function. In summary, the available evidence is currently insufficient to determine the role of this variant in disease. Therefore, it has been classified as a Variant of Uncertain Significance.

NM_001040108.2(MLH3):c.3274G>A (p.Glu1092Lys)

Gene: MLH3 (mutL homolog 3; minus strand). Cytogenetic location: 14q24.3.
Variant type: single nucleotide variant.
Coding change: c.3274G>A on transcript NM_001040108.2 (MANE Select); coding-DNA position 3274, G replaced by A.
Protein change: p.Glu1092Lys; replaces glutamic acid 1092 with lysine.
Molecular consequence: missense variant.
Genome position (GRCh38, 1-based): chr14:75,046,382, C>T on the plus strand (G>A on the coding strand, the complement: MLH3 is on the minus strand). VCF-style: chr14-75046382-C-T. GRCh37 (hg19) VCF-style: chr14-75513085-C-T.
Other names: c.3274G>A, p.Glu1092Lys (NM_014381.3); short protein forms E1092K.
Identifiers: ClinVar variation 2754894 (VCV002754894.3), dbSNP rs374277639, ClinGen allele CA7275565.